The following is an entry in ClinVar:

ClinVar aggregate classification (germline): Uncertain significance (1 of 4 stars; one submission).

Submission:

Dasa
Classification: Uncertain significance. Last evaluated: 2025-09-18. Review status: criteria provided, single submitter. Criteria: DASA Assertion Criteria. Collection method: clinical testing. Allele origin: germline.
Comment: NM_024700.4(SNIP1):c.832C>T (p.Gln278*) is a nonsense variant in SNIP1 predicted to introduce a premature termination codon. This variant is absent from population databases. The currently available literature and clinical evidence are not sufficient to establish a definitive association between this variant and the reported condition. Therefore, this variant is classified as a variant of uncertain significance.

NM_024700.4(SNIP1):c.832C>T (p.Gln278Ter)

Genes: SNIP1 (Smad nuclear interacting protein 1; minus strand), LOC126805704 (BRD4-independent group 4 enhancer GRCh37_chr1:38005292-38006491; plus strand). Cytogenetic location: 1p34.3.
Variant type: single nucleotide variant.
Coding change: c.832C>T on transcript NM_024700.4 (MANE Select); coding-DNA position 832, C replaced by T.
Protein change: p.Gln278Ter; replaces glutamine 278 with a stop codon.
Molecular consequence: nonsense.
Genome position (GRCh38, 1-based): chr1:37,540,251, G>A on the plus strand (C>T on the coding strand, the complement: SNIP1 is on the minus strand). VCF-style: chr1-37540251-G-A. GRCh37 (hg19) VCF-style: chr1-38005852-G-A.
Other names: short protein forms Q278*.
Identifiers: ClinVar variation 5020857 (VCV005020857.1).